The following is an entry in ClinVar:

ClinVar aggregate classification (germline): Uncertain significance (1 of 4 stars; one submission).

Submission:

Labcorp Genetics (formerly Invitae), Labcorp
Classification: Uncertain significance. Last evaluated: 2020-11-14. Review status: criteria provided, single submitter. Criteria: Invitae Variant Classification Sherloc (09022015). Collection method: clinical testing. Allele origin: germline.
Comment: In summary, the available evidence is currently insufficient to determine the role of this variant in disease. Therefore, it has been classified as a Variant of Uncertain Significance. This sequence change replaces isoleucine with phenylalanine at codon 552 of the ARHGEF18 protein (p.Ile552Phe). The isoleucine residue is highly conserved and there is a small physicochemical difference between isoleucine and phenylalanine. This variant is not present in population databases (ExAC no frequency). This variant has not been reported in the literature in individuals with ARHGEF18-related conditions. Algorithms developed to predict the effect of missense changes on protein structure and function are either unavailable or do not agree on the potential impact of this missense change (SIFT: "Deleterious"; PolyPhen-2: "Probably Damaging"; Align-GVGD: "Class C15").

NM_001367823.1(ARHGEF18):c.2218A>T (p.Ile740Phe)

Gene: ARHGEF18 (Rho/Rac guanine nucleotide exchange factor 18; plus strand). Cytogenetic location: 19p13.2.
Variant type: single nucleotide variant.
Coding change: c.2218A>T on transcript NM_001367823.1 (MANE Select); coding-DNA position 2218, A replaced by T.
Protein change: p.Ile740Phe; replaces isoleucine 740 with phenylalanine.
Molecular consequence: missense variant.
Genome position (GRCh38, 1-based): chr19:7,458,548, A>T. VCF-style: chr19-7458548-A-T. GRCh37 (hg19) VCF-style: chr19-7523434-A-T.
Other names: c.1492A>T, p.Ile498Phe (NM_001130955.2); c.1180A>T, p.Ile394Phe (NM_001367824.1, NM_015318.4); short protein forms I498F, I394F, I740F.
Identifiers: ClinVar variation 1484841 (VCV001484841.8), dbSNP rs2145867878, ClinGen allele CA403117485.
Genomic context (GRCh38, chr19:7,458,548, plus strand): 5'-CCCCAATGCCCTCTACTCATGCAGGACTCAAAGCCACCCGTCATCTCGTTACAAAAGCTC[A>T]TCGTGAGGGAAGTGGCCAACGAGGAGAAAGCGATGTTTCTGATCAGCGCCTCCTTGCAAG-3'
Protein context (NP_001354752.1, residues 730-750): KPPVISLQKL[Ile740Phe]VREVANEEKA